The following is an entry in ClinVar:

ClinVar aggregate classification (germline): Uncertain significance (1 of 4 stars; one submission).

Conditions:
Usher syndrome type 3B. Also called: USHER SYNDROME, TYPE IIIB. Identifiers: MedGen C3281066, MONDO:0013788, OMIM 614504.

Allele frequency attached by ClinVar (database versions not stated): gnomAD exomes below 0.00001; ExAC 0.00001.
gnomAD v4.1: 6 of 1,614,248 alleles (0.00037%); highest among the groups gnomAD compares: Non-Finnish European, 0.00051%; no homozygotes.

Submission:

Labcorp Genetics (formerly Invitae), Labcorp
Classification: Uncertain significance for Usher syndrome type 3B. Last evaluated: 2022-11-01. Review status: criteria provided, single submitter. Criteria: Invitae Variant Classification Sherloc (09022015). Collection method: clinical testing. Allele origin: germline.
Comment: In summary, the available evidence is currently insufficient to determine the role of this variant in disease. Therefore, it has been classified as a Variant of Uncertain Significance. Algorithms developed to predict the effect of missense changes on protein structure and function (SIFT, PolyPhen-2, Align-GVGD) all suggest that this variant is likely to be tolerated. This variant has not been reported in the literature in individuals affected with HARS-related conditions. This variant is present in population databases (rs771009808, gnomAD 0.0009%). This sequence change replaces alanine, which is neutral and non-polar, with aspartic acid, which is acidic and polar, at codon 345 of the HARS protein (p.Ala345Asp).

NM_002109.6(HARS1):c.1034C>A (p.Ala345Asp)

Gene: HARS1 (histidyl-tRNA synthetase 1; minus strand). Cytogenetic location: 5q31.3.
Variant type: single nucleotide variant.
Coding change: c.1034C>A on transcript NM_002109.6 (MANE Select); coding-DNA position 1034, C replaced by A.
Protein change: p.Ala345Asp; replaces alanine 345 with aspartic acid.
Molecular consequence: missense variant.
Genome position (GRCh38, 1-based): chr5:140,676,814, G>T on the plus strand (C>A on the coding strand, the complement: HARS1 is on the minus strand). VCF-style: chr5-140676814-G-T. GRCh37 (hg19) VCF-style: chr5-140056399-G-T.
Other names: c.914C>A, p.Ala305Asp (NM_001258040.3); c.974C>A, p.Ala325Asp (NM_001258041.3); c.854C>A, p.Ala285Asp (NM_001258042.3); c.812C>A, p.Ala271Asp (NM_001289092.2); c.692C>A, p.Ala231Asp (NM_001289093.2); c.947C>A, p.Ala316Asp (NM_001289094.2); short protein forms A325D, A305D, A316D, A345D, A231D, A271D, A285D.
Identifiers: ClinVar variation 2811219 (VCV002811219.3), dbSNP rs771009808, ClinGen allele CA3443935.
Genomic context (GRCh38, chr5:140,676,814, plus strand): 5'-CCATCATAGCGTCCTCCAGCAGCCACACTGCCCACACCCAGGGGCTCTTCCCCTGCCTGG[G>T]CTGGGGTCTGTAGCAGCACTGCCTCATAGATCACCCCAGTGTAGTAATCCAGCCCTCGAG-3'
Protein context (NP_002100.2, residues 335-355): IYEAVLLQTP[Ala345Asp]QAGEEPLGVG